The following is an entry in ClinVar:

NM_025225.3(PNPLA3):c.*1090A>G

Gene: PNPLA3 (patatin like domain 3, 1-acylglycerol-3-phosphate O-acyltransferase; plus strand). Cytogenetic location: 22q13.31.
Variant type: single nucleotide variant.
Coding change: c.*1090A>G on transcript NM_025225.3 (MANE Select); 1090 bases downstream of the stop codon, A replaced by G.
Molecular consequence: 3 prime UTR variant.
Genome position (GRCh38, 1-based): chr22:43,947,472, A>G. VCF-style: chr22-43947472-A-G. GRCh37 (hg19) VCF-style: chr22-44343352-A-G.
Identifiers: ClinVar variation 341965 (VCV000341965.6), dbSNP rs9626058, ClinGen allele CA10645662.
Genomic context (GRCh38, chr22:43,947,472, plus strand): 5'-CAGCCCCCCAGGCAGGAGCCAAGCACAGCAGGAGCTTCCGCCTCCTCTCCACTGGAGCAC[A>G]CAACTTGAACCTGGCTTATTTTCTGCAGGGACCAGCCCCACATGGTCAGTGAGTTTCTCC-3'

ClinVar aggregate classification (germline): Likely benign. Review status: criteria provided, multiple submitters, no conflicts (2 of 4 stars). 2 submissions from 2 submitters: Likely benign (2). Last evaluated 2018-01-12.

Conditions:
NAFLD1 (FLD1). Also called: FATTY LIVER DISEASE, SUSCEPTIBILITY TO, 1; Fatty liver disease, nonalcoholic 1. Identifiers: MedGen C2750440, MONDO:0021105, OMIM 613282.

Allele frequency attached by ClinVar (database versions not stated): 1000 Genomes Project 0.02137; 1000 Genomes Project 30x 0.02233; gnomAD 0.04523 and 0.04692; TOPMed 0.04773; gnomAD exomes 0.05799.

Submissions (2):

Illumina Laboratory Services, Illumina
Classification: Likely benign for NAFLD1. Last evaluated: 2018-01-12. Review status: criteria provided, single submitter. Criteria: ICSL Variant Classification Criteria 13 December 2019. Collection method: clinical testing. Allele origin: germline.
Comment: This variant was observed in the ICSL laboratory as part of a predisposition screen in an ostensibly healthy population. It had not been previously curated by ICSL or reported in the Human Gene Mutation Database (HGMD: prior to June 1st, 2018), and was therefore a candidate for classification through an automated scoring system. Utilizing variant allele frequency, disease prevalence and penetrance estimates, and inheritance mode, an automated score was calculated to assess if this variant is too frequent to cause the disease. Based on the score and internal cut-off values, a variant classified as likely benign is not then subjected to further curation. The score for this variant resulted in a classification of likely benign for this disease.

Breakthrough Genomics
Classification: Likely benign. Review status: criteria provided, single submitter. Criteria: ACMG Guidelines, 2015. Collection method: not provided. Allele origin: germline. Inheritance: Unknown mechanism. Affected: yes.